The following is an entry in ClinVar:

ClinVar aggregate classification (germline): Uncertain significance. Review status: criteria provided, multiple submitters, no conflicts (2 of 4 stars). 4 submissions from 4 submitters: Uncertain significance (3). 1 of the submissions does not count toward it. Last evaluated 2024-11-05.

Conditions:
Nephronophthisis. Also called: Juvenile Nephronophthisis. Identifiers: Orphanet 655, MedGen C0687120, MONDO:0019005, HP:0000090.
Inborn genetic diseases. Identifiers: MedGen C0950123, MeSH D030342.
NPHP1-related disorder. Also called: NPHP1-related disorders; NPHP1-related condition.
Nephronophthisis 1 (NPHP1). Also called: Nephronophthisis familial juvenile. Identifiers: Orphanet 655, Orphanet 93592, MedGen C1855681, MONDO:0009728, OMIM 256100.
Joubert syndrome with renal defect. Also called: JOUBERT SYNDROME 4. Identifiers: Orphanet 220497, MedGen C1846790, MONDO:0012308, OMIM 609583.
Senior-Loken syndrome 1 (SLSN1). Also called: JUVENILE NEPHRONOPHTHISIS WITH LEBER AMAUROSIS. Identifiers: Orphanet 3156, MedGen C4551559, MONDO:0009962, OMIM 266900.

Allele frequency attached by ClinVar (database versions not stated): ESP Exome Variant Server 0.00015; gnomAD 0.00003 and 0.00004; TOPMed 0.00005; gnomAD exomes 0.00006 and 0.00010; ExAC 0.00004.
gnomAD v4.1: 145 of 1,612,502 alleles (0.009%); highest among the groups gnomAD compares: Non-Finnish European, 0.012%; no homozygotes.

Submissions (4):

Labcorp Genetics (formerly Invitae), Labcorp
Classification: Uncertain significance for Nephronophthisis. Last evaluated: 2024-11-05. Review status: criteria provided, single submitter. Criteria: Invitae Variant Classification Sherloc (09022015). Collection method: clinical testing. Allele origin: germline.
Comment: This sequence change replaces isoleucine, which is neutral and non-polar, with threonine, which is neutral and polar, at codon 606 of the NPHP1 protein (p.Ile606Thr). This variant is present in population databases (rs143231282, gnomAD 0.008%). This variant has not been reported in the literature in individuals affected with NPHP1-related conditions. ClinVar contains an entry for this variant (Variation ID: 1057817). Invitae Evidence Modeling of protein sequence and biophysical properties (such as structural, functional, and spatial information, amino acid conservation, physicochemical variation, residue mobility, and thermodynamic stability) has been performed for this missense variant. However, the output from this modeling did not meet the statistical confidence thresholds required to predict the impact of this variant on NPHP1 protein function. In summary, the available evidence is currently insufficient to determine the role of this variant in disease. Therefore, it has been classified as a Variant of Uncertain Significance.

Fulgent Genetics
Classification: Uncertain significance for Nephronophthisis 1; Senior-Loken syndrome 1; Joubert syndrome with renal defect. Last evaluated: 2024-04-02. Review status: criteria provided, single submitter. Criteria: ACMG Guidelines, 2015. Collection method: clinical testing. Allele origin: germline.

Ambry Genetics
Classification: Uncertain significance for Inborn genetic diseases. Last evaluated: 2024-02-21. Review status: criteria provided, single submitter. Criteria: Ambry Variant Classification Scheme 2023. Collection method: clinical testing. Allele origin: germline.

PreventionGenetics, part of Exact Sciences
Classification: Uncertain significance for NPHP1-related condition. Last evaluated: 2024-07-12. Review status: no assertion criteria provided. Collection method: clinical testing. Allele origin: germline. Not counted in ClinVar's aggregate classification.
Comment: The NPHP1 c.1817T>C variant is predicted to result in the amino acid substitution p.Ile606Thr. To our knowledge, this variant has not been reported in the literature. This variant is reported in 0.0093% of alleles in individuals of European (Non-Finnish) descent in gnomAD. At this time, the clinical significance of this variant is uncertain due to the absence of conclusive functional and genetic evidence.

NM_001128178.3(NPHP1):c.1649T>C (p.Ile550Thr)

Gene: NPHP1 (nephrocystin 1; minus strand). Cytogenetic location: 2q13.
Variant type: single nucleotide variant.
Coding change: c.1649T>C on transcript NM_001128178.3 (MANE Select); coding-DNA position 1649, T replaced by C.
Protein change: p.Ile550Thr; replaces isoleucine 550 with threonine.
Molecular consequence: missense variant.
Genome position (GRCh38, 1-based): chr2:110,129,253, A>G on the plus strand (T>C on the coding strand, the complement: NPHP1 is on the minus strand). VCF-style: chr2-110129253-A-G. GRCh37 (hg19) VCF-style: chr2-110886830-A-G.
Other names: c.1817T>C, p.Ile606Thr (NM_000272.5); c.1460T>C, p.Ile487Thr (NM_001128179.3); c.1646T>C, p.Ile549Thr (NM_001374256.1); c.1649T>C, p.Ile550Thr (NM_001374257.1); c.1814T>C, p.Ile605Thr (NM_207181.4); c.1817T>C (NM_000272.3); short protein forms I487T, I549T, I550T, I605T, I606T.
Identifiers: ClinVar variation 1057817 (VCV001057817.11), dbSNP rs143231282, ClinGen allele CA1826935.